The following is an entry in ClinVar:

NM_001267550.2(TTN):c.32197+3A>G

Gene: TTN (titin; minus strand). Cytogenetic location: 2q31.2.
Variant type: single nucleotide variant.
Coding change: c.32197+3A>G on transcript NM_001267550.2 (MANE Select); 3 bases into the intron after coding-DNA position 32197, A replaced by G.
Molecular consequence: intron variant.
Genome position (GRCh38, 1-based): chr2:178,688,674, T>C on the plus strand (A>G on the coding strand, the complement: TTN is on the minus strand). VCF-style: chr2-178688674-T-C. GRCh37 (hg19) VCF-style: chr2-179553401-T-C.
Other names: c.13283-46357A>G (NM_003319.4); c.13859-46357A>G (NM_133437.4); c.13658-46357A>G (NM_133432.3); c.28465+3A>G (NM_133378.4); c.31246+3A>G (NM_001256850.1).
Identifiers: ClinVar variation 1329132 (VCV001329132.5), dbSNP rs769891626, ClinGen allele CA1998707.

ClinVar aggregate classification (germline): Uncertain significance. Review status: criteria provided, multiple submitters, no conflicts (2 of 4 stars). 4 submissions from 4 submitters: Uncertain significance (4). Last evaluated 2026-04-03.

Conditions:
Cardiomyopathy (CMYO). Also called: Cardiomyopathies. Identifiers: Orphanet 167848, MedGen C0878544, MONDO:0004994, HP:0001638. Inheritance: Various modes of inheritance.
Autosomal recessive limb-girdle muscular dystrophy type 2J (LGMDR10). Also called: Limb-girdle muscular dystrophy, type 2J; MUSCULAR DYSTROPHY, LIMB-GIRDLE, AUTOSOMAL RECESSIVE 10. Identifiers: Orphanet 140922, MedGen C1837342, MONDO:0012127, OMIM 608807.
Dilated cardiomyopathy 1G (CMD1G). Identifiers: Orphanet 154, MedGen C1858763, MONDO:0011400, OMIM 604145.

Allele frequency attached by ClinVar (database versions not stated): gnomAD exomes below 0.00001; TOPMed below 0.00001; ExAC 0.00001.
gnomAD v4.1: 6 of 1,606,134 alleles (0.00037%); highest among the groups gnomAD compares: South Asian, 0.0044%; no homozygotes.

Submissions (4):

Women's Health and Genetics/Laboratory Corporation of America, LabCorp
Classification: Uncertain significance. Last evaluated: 2026-04-03. Review status: criteria provided, single submitter. Criteria: LabCorp Variant Classification Summary - May 2015. Collection method: clinical testing. Allele origin: germline.

Labcorp Genetics (formerly Invitae), Labcorp
Classification: Uncertain significance for Dilated cardiomyopathy 1G; Autosomal recessive limb-girdle muscular dystrophy type 2J. Last evaluated: 2025-11-27. Review status: criteria provided, single submitter. Criteria: Invitae Variant Classification Sherloc (09022015). Collection method: clinical testing. Allele origin: germline.
Comment: This sequence change falls in intron 126 of the TTN gene. It does not directly change the encoded amino acid sequence of the TTN protein. It affects a nucleotide within the consensus splice site. This variant is present in population databases (rs769891626, gnomAD 0.006%). This variant has not been reported in the literature in individuals affected with TTN-related conditions. ClinVar contains an entry for this variant (Variation ID: 1329132). Variants that disrupt the consensus splice site are a relatively common cause of aberrant splicing (PMID: 17576681, 9536098). Algorithms developed to predict the effect of sequence changes on RNA splicing suggest that this variant may disrupt the consensus splice site. This variant is located in the I band of TTN (PMID: 25589632). Non-truncating variants in this region may be clinically relevant, but have not been definitively shown to cause cardiomyopathy or neuromuscular disease (PMID: 27493940, 32778822). In summary, the available evidence is currently insufficient to determine the role of this variant in disease. Therefore, it has been classified as a Variant of Uncertain Significance.

GeneDx
Classification: Uncertain significance. Last evaluated: 2024-07-29. Review status: criteria provided, single submitter. Criteria: GeneDx Variant Classification Process June 2021. Collection method: clinical testing. Allele origin: germline. Affected: yes.
Comment: Not observed at significant frequency in large population cohorts (gnomAD); Has not been previously published as pathogenic or benign to our knowledge; In silico analysis is inconclusive as to whether the variant alters gene splicing. In the absence of RNA/functional studies, the actual effect of this sequence change is unknown.

CHEO Genetics Diagnostic Laboratory, Children's Hospital of Eastern Ontario
Classification: Uncertain significance for Cardiomyopathy. Last evaluated: 2021-05-10. Review status: criteria provided, single submitter. Criteria: ACMG Guidelines, 2015. Collection method: clinical testing. Allele origin: germline.

Literature cited by the submitters: PubMed 17576681 (cited by Labcorp Genetics (formerly Invitae), Labcorp); PubMed 9536098 (cited by Labcorp Genetics (formerly Invitae), Labcorp); PubMed 25589632 (cited by Labcorp Genetics (formerly Invitae), Labcorp); PubMed 27493940 (cited by Labcorp Genetics (formerly Invitae), Labcorp); PubMed 32778822 (cited by Labcorp Genetics (formerly Invitae), Labcorp).